The following is an entry in ClinVar:

ClinVar aggregate classification (germline): Pathogenic/Likely pathogenic. Review status: criteria provided, multiple submitters, no conflicts (2 of 4 stars). 5 submissions from 5 submitters: Pathogenic (1); Likely pathogenic (3). 1 of the submissions does not count toward it. Last evaluated 2024-06-17.

Conditions:
Cobalamin C disease. Also called: Methylmalonic aciduria with homocystinuria cblC type; Methylmalonic aciduria and homocystinuria, Vitamin B12-responsive; Vitamin B12 metabolic defect with combined deficiency of methylmalonyl-CoA mutase and homocysteine:methyltetrahydrofolate methyltransferase; methylmalonic aciduria and homocystinuria type cblC; Cobalamin-C methylmalonic acidemia and homocystinuria; Methylmalonic acidemia and homocystinuria cblC type. Identifiers: Orphanet 26, Orphanet 79282, MedGen C1848561, MONDO:0010184, OMIM 277400.

Submissions (5):

Fulgent Genetics
Classification: Likely pathogenic for Cobalamin C disease. Last evaluated: 2024-06-17. Review status: criteria provided, single submitter. Criteria: ACMG Guidelines, 2015. Collection method: clinical testing. Allele origin: germline.

Genome-Nilou Lab
Classification: Likely pathogenic for Cobalamin C disease. Last evaluated: 2023-04-11. Review status: criteria provided, single submitter. Criteria: ACMG Guidelines, 2015. Collection method: clinical testing. Allele origin: germline. Affected: no.

Revvity Omics, Revvity
Classification: Likely pathogenic for Cobalamin C disease. Last evaluated: 2022-12-09. Review status: criteria provided, single submitter. Criteria: ACMG Guidelines, 2015. Collection method: clinical testing. Allele origin: germline.

Labcorp Genetics (formerly Invitae), Labcorp
Classification: Pathogenic for Cobalamin C disease. Last evaluated: 2021-09-25. Review status: criteria provided, single submitter. Criteria: Invitae Variant Classification Sherloc (09022015). Collection method: clinical testing. Allele origin: germline.
Comment: For these reasons, this variant has been classified as Pathogenic. ClinVar contains an entry for this variant (Variation ID: 553635). This variant has not been reported in the literature in individuals affected with MMACHC-related conditions. This variant is not present in population databases (ExAC no frequency). This sequence change creates a premature translational stop signal (p.Asp104Thrfs*19) in the MMACHC gene. It is expected to result in an absent or disrupted protein product. Loss-of-function variants in MMACHC are known to be pathogenic (PMID: 16311595).

Counsyl
Classification: Likely pathogenic for Cobalamin C disease. Last evaluated: 2017-09-01. Review status: no assertion criteria provided. Collection method: clinical testing. Allele origin: unknown. Not counted in ClinVar's aggregate classification.

Literature cited by the submitters: PubMed 16311595 (cited by Labcorp Genetics (formerly Invitae), Labcorp).

NM_015506.3(MMACHC):c.310_313del (p.Asp104fs)

Gene: MMACHC (metabolism of cobalamin associated C; plus strand). Cytogenetic location: 1p34.1.
Variant type: Deletion.
Coding change: c.310_313del on transcript NM_015506.3 (MANE Select); coding-DNA positions 310 to 313, 4 bases deleted (GACT; older notation c.310_313delGACT).
Protein change: p.Asp104fs; shifts the reading frame from aspartic acid 104.
Molecular consequence: frameshift variant.
Genome position (GRCh38, 1-based): chr1:45,508,245-45,508,248, GACT deleted; deleting any 4 consecutive bases within chr1:45,508,243-45,508,248 gives the same sequence; the c. name uses the placement nearest the transcript's 3' end. VCF-style (leftmost placement, unchanged base first): chr1-45508242-GCTGA-G. GRCh37 (hg19) VCF-style: chr1-45973914-GCTGA-G.
Other names: c.139_142del, p.Asp47fs (NM_001330540.2); short protein forms D47fs, D104fs.
Identifiers: ClinVar variation 553635 (VCV000553635.13), dbSNP rs1311416761, ClinGen allele CA658821023.